The following is an entry in ClinVar:

ClinVar aggregate classification (germline): Likely benign (1 of 4 stars; one submission).

gnomAD v4.1: 80 of 1,614,202 alleles (0.005%); highest among the groups gnomAD compares: Admixed American, 0.043%; no homozygotes.

Submission:

CeGaT Center for Human Genetics Tuebingen
Classification: Likely benign. Last evaluated: 2025-07-01. Review status: criteria provided, single submitter. Criteria: CeGaT Center For Human Genetics Tuebingen Variant Classification Criteria Version 2. Collection method: clinical testing. Allele origin: germline. Affected: yes. Observed: 1 variant allele.
Comment: ZNF276: BP4, BP7

NM_001113525.2(ZNF276):c.1536C>T (p.Leu512=)

Genes: FANCA (FA complementation group A; minus strand), ZNF276 (zinc finger protein 276; plus strand). Cytogenetic location: 16q24.3.
Variant type: single nucleotide variant.
Coding change: c.1536C>T on transcript NM_001113525.2 (MANE Select); coding-DNA position 1536, C replaced by T.
Protein change: p.Leu512=; no amino-acid change (leucine 512 retained).
Molecular consequence: synonymous variant. On other transcripts: 3 prime UTR variant (2), non-coding transcript variant (4).
Genome position (GRCh38, 1-based): chr16:89,737,867, C>T. VCF-style: chr16-89737867-C-T. GRCh37 (hg19) VCF-style: chr16-89804275-C-T.
Other names: c.*734G>A (NM_000135.4); c.*831G>A (NM_001286167.3); c.1311C>T, p.Leu437= (NM_152287.4).
Identifiers: ClinVar variation 4084127 (VCV004084127.8).